The following is an entry in ClinVar:

NM_002103.5(GYS1):c.178G>A (p.Asp60Asn)

Gene: GYS1 (glycogen synthase 1; minus strand). Cytogenetic location: 19q13.33.
Variant type: single nucleotide variant.
Coding change: c.178G>A on transcript NM_002103.5 (MANE Select); coding-DNA position 178, G replaced by A.
Protein change: p.Asp60Asn; replaces aspartic acid 60 with asparagine.
Molecular consequence: missense variant.
Genome position (GRCh38, 1-based): chr19:48,991,424, C>T on the plus strand (G>A on the coding strand, the complement: GYS1 is on the minus strand). VCF-style: chr19-48991424-C-T. GRCh37 (hg19) VCF-style: chr19-49494681-C-T.
Other names: c.178G>A, p.Asp60Asn (NM_001161587.2); short protein forms D60N.
Identifiers: ClinVar variation 1002555 (VCV001002555.6), dbSNP rs781563966, ClinGen allele CA9563426.

ClinVar aggregate classification (germline): Uncertain significance (1 of 4 stars; one submission).

Conditions:
Glycogen storage disease due to muscle and heart glycogen synthase deficiency. Also called: GSD 0b; MUSCLE GLYCOGEN SYNTHASE DEFICIENCY. Identifiers: Orphanet 137625, MedGen C1969054, MONDO:0012693, OMIM 611556.

Allele frequency attached by ClinVar (database versions not stated): TOPMed 0.00002; gnomAD 0.00003; gnomAD exomes 0.00004; ExAC 0.00005.
gnomAD v4.1: 40 of 1,614,034 alleles (0.0025%); highest among the groups gnomAD compares: African/African-American, 0.0027%; no homozygotes.

Submission:

Labcorp Genetics (formerly Invitae), Labcorp
Classification: Uncertain significance for Glycogen storage disease due to muscle and heart glycogen synthase deficiency. Last evaluated: 2022-06-27. Review status: criteria provided, single submitter. Criteria: Invitae Variant Classification Sherloc (09022015). Collection method: clinical testing. Allele origin: germline.
Comment: This sequence change replaces aspartic acid, which is acidic and polar, with asparagine, which is neutral and polar, at codon 60 of the GYS1 protein (p.Asp60Asn). This variant is present in population databases (rs781563966, gnomAD 0.05%). This variant has not been reported in the literature in individuals affected with GYS1-related conditions. ClinVar contains an entry for this variant (Variation ID: 1002555). Algorithms developed to predict the effect of missense changes on protein structure and function are either unavailable or do not agree on the potential impact of this missense change (SIFT: "Deleterious"; PolyPhen-2: "Benign"; Align-GVGD: "Class C0"). In summary, the available evidence is currently insufficient to determine the role of this variant in disease. Therefore, it has been classified as a Variant of Uncertain Significance.